The following is an entry in ClinVar:

NM_001042492.3(NF1):c.333A>C (p.Lys111Asn)

Gene: NF1 (neurofibromin 1; plus strand). Cytogenetic location: 17q11.2.
Variant type: single nucleotide variant.
Coding change: c.333A>C on transcript NM_001042492.3 (MANE Select); coding-DNA position 333, A replaced by C.
Protein change: p.Lys111Asn; replaces lysine 111 with asparagine.
Molecular consequence: missense variant.
Genome position (GRCh38, 1-based): chr17:31,163,230, A>C. VCF-style: chr17-31163230-A-C. GRCh37 (hg19) VCF-style: chr17-29490248-A-C.
Other names: c.333A>C, p.Lys111Asn (NM_000267.4, NM_001128147.3); short protein forms K111N.
Identifiers: ClinVar variation 2066122 (VCV002066122.4), dbSNP rs2143671207, ClinGen allele CA398981723.

ClinVar aggregate classification (germline): Uncertain significance (1 of 4 stars; one submission).

Conditions:
Neurofibromatosis, type 1 (NF1). Also called: NEUROFIBROMATOSIS, TYPE I, SOMATIC; VON RECKLINGHAUSEN DISEASE; Peripheral type neurofibromatosis; Neurofibromatosis, type I. Identifiers: Orphanet 636, MedGen C0027831, MONDO:0018975, OMIM 162200. Disease mechanism: loss of function.

Submission:

Labcorp Genetics (formerly Invitae), Labcorp
Classification: Uncertain significance for Neurofibromatosis, type 1. Last evaluated: 2022-08-09. Review status: criteria provided, single submitter. Criteria: Invitae Variant Classification Sherloc (09022015). Collection method: clinical testing. Allele origin: germline.
Comment: This sequence change replaces lysine, which is basic and polar, with asparagine, which is neutral and polar, at codon 111 of the NF1 protein (p.Lys111Asn). In summary, the available evidence is currently insufficient to determine the role of this variant in disease. Therefore, it has been classified as a Variant of Uncertain Significance. Algorithms developed to predict the effect of missense changes on protein structure and function are either unavailable or do not agree on the potential impact of this missense change (SIFT: "Tolerated"; PolyPhen-2: "Probably Damaging"; Align-GVGD: "Class C0"). This variant has not been reported in the literature in individuals affected with NF1-related conditions. This variant is not present in population databases (gnomAD no frequency).